The following is an entry in ClinVar:

ClinVar aggregate classification (germline): Uncertain significance (1 of 4 stars; one submission).

Submission:

GeneDx
Classification: Uncertain significance. Last evaluated: 2023-02-21. Review status: criteria provided, single submitter. Criteria: GeneDx Variant Classification Process June 2021. Collection method: clinical testing. Allele origin: germline. Affected: yes.
Comment: Has not been previously published as pathogenic or benign to our knowledge; Not observed at significant frequency in large population cohorts (gnomAD); In silico analysis supports that this missense variant does not alter protein structure/function

NM_005120.3(MED12):c.4552C>G (p.Gln1518Glu)

Gene: MED12 (mediator complex subunit 12; plus strand). Cytogenetic location: Xq13.1.
Variant type: single nucleotide variant.
Coding change: c.4552C>G on transcript NM_005120.3 (MANE Select); coding-DNA position 4552, C replaced by G.
Protein change: p.Gln1518Glu; replaces glutamine 1518 with glutamic acid.
Molecular consequence: missense variant.
Genome position (GRCh38, 1-based): chrX:71,133,147, C>G. VCF-style: chrX-71133147-C-G. GRCh37 (hg19) VCF-style: chrX-70352997-C-G.
Other names: short protein forms Q1518E.
Identifiers: ClinVar variation 2576919 (VCV002576919.1), dbSNP rs2519703206, ClinGen allele CA413528777.